The following is an entry in ClinVar:

NM_001165963.4(SCN1A):c.3343_3344del (p.Val1115fs)

Genes: SCN1A (sodium voltage-gated channel alpha subunit 1; minus strand), LOC102724058 (uncharacterized LOC102724058; plus strand). Cytogenetic location: 2q24.3.
Variant type: Deletion.
Coding change: c.3343_3344del on transcript NM_001165963.4 (MANE Select); coding-DNA positions 3343 to 3344, 2 bases deleted (GT; older notation c.3343_3344delGT).
Protein change: p.Val1115fs; shifts the reading frame from valine 1115.
Molecular consequence: frameshift variant. On other transcripts: non-coding transcript variant (2).
Genome position (GRCh38, 1-based): chr2:166,036,133-166,036,134, AC deleted on the plus strand (GT on the coding strand, the reverse complement: SCN1A is on the minus strand); deleting any 2 consecutive bases within chr2:166,036,133-166,036,135 gives the same sequence; the c. name uses the placement nearest the transcript's 3' end. VCF-style (leftmost placement, unchanged base first): chr2-166036132-TAC-T. GRCh37 (hg19) VCF-style: chr2-166892642-TAC-T.
Other names: c.3259_3260del, p.Val1087fs (NM_001165964.3, NM_001353957.2, NM_001353958.2); c.3343_3344del, p.Val1115fs (NM_001202435.3, NM_001353948.2); c.3310_3311del, p.Val1104fs (NM_001353949.2, NM_001353950.2, NM_001353951.2 and 2 more transcripts); c.3307_3308del, p.Val1103fs (NM_001353954.2, NM_001353955.2); c.3256_3257del, p.Val1086fs (NM_001353960.2); c.901_902del, p.Val301fs (NM_001353961.2); short protein forms V1104fs, V1087fs, V1115fs, V1086fs, V1103fs, V301fs.
Identifiers: ClinVar variation 565688 (VCV000565688.8), dbSNP rs1559193050, ClinGen allele CA891843003.

ClinVar aggregate classification (germline): Pathogenic/Likely pathogenic. Review status: criteria provided, multiple submitters, no conflicts (2 of 4 stars). 2 submissions from 2 submitters: Pathogenic (1); Likely pathogenic (1). Last evaluated 2020-02-29.

Conditions:
SCN1A-related disorder. Also called: SCN1A-related disorders; SCN1A-related conditions; SCN1A-related condition.
Early-infantile DEE. Also called: Early infantile epileptic encephalopathy with suppression bursts; Early infantile epileptic encephalopathy; Ohtahara syndrome. Identifiers: Orphanet 1934, MedGen C0393706, MONDO:0800491.

Submissions (2):

Labcorp Genetics (formerly Invitae), Labcorp
Classification: Pathogenic for Early-infantile DEE. Last evaluated: 2020-02-29. Review status: criteria provided, single submitter. Criteria: Invitae Variant Classification Sherloc (09022015). Collection method: clinical testing. Allele origin: germline.
Comment: This variant has not been reported in the literature in individuals with SCN1A-related conditions. ClinVar contains an entry for this variant (Variation ID: 565688). For these reasons, this variant has been classified as Pathogenic. Loss-of-function variants in SCN1A are known to be pathogenic (PMID: 17347258, 18930999). This variant is not present in population databases (ExAC no frequency). This sequence change creates a premature translational stop signal (p.Val1115Thrfs*8) in the SCN1A gene. It is expected to result in an absent or disrupted protein product.

Blueprint Genetics
Classification: Likely pathogenic for SCN1A-related disorders. Last evaluated: 2017-10-31. Review status: criteria provided, single submitter. Criteria: ACMG Guidelines, 2015. Collection method: clinical testing. Allele origin: germline. Affected: yes. Observed: 1 variant allele.

Literature cited by the submitters: PubMed 17347258 (cited by Labcorp Genetics (formerly Invitae), Labcorp); PubMed 18930999 (cited by Labcorp Genetics (formerly Invitae), Labcorp).